The following is an entry in ClinVar:

NM_001324144.2(ZNF41):c.387A>G (p.Ser129=)

Gene: ZNF41 (zinc finger protein 41; minus strand). Cytogenetic location: Xp11.3.
Variant type: single nucleotide variant.
Coding change: c.387A>G on transcript NM_001324144.2 (MANE Select); coding-DNA position 387, A replaced by G.
Protein change: p.Ser129=; no amino-acid change (serine 129 retained).
Molecular consequence: synonymous variant. On other transcripts: intron variant (2).
Genome position (GRCh38, 1-based): chrX:47,449,383, T>C on the plus strand (A>G on the coding strand, the complement: ZNF41 is on the minus strand). VCF-style: chrX-47449383-T-C. GRCh37 (hg19) VCF-style: chrX-47308782-T-C.
Other names: c.129A>G, p.Ser43= (NM_001324139.2, NM_001324141.2, NM_001324143.2 and 3 more transcripts); c.387A>G, p.Ser129= (NM_001324140.2, NM_001324147.2, NM_001324150.2 and 2 more transcripts); c.393A>G, p.Ser131= (NM_001324142.2, NM_001324148.2); c.417A>G, p.Ser139= (NM_001324151.2, NM_001324153.2); c.489A>G, p.Ser163= (NM_001324154.1); c.513A>G, p.Ser171= (NM_001324155.1); c.296-17A>G (NM_001324157.1); c.302-17A>G (NM_001324156.1).
Identifiers: ClinVar variation 368374 (VCV000368374.4), dbSNP rs60022654, ClinGen allele CA10397802.

ClinVar aggregate classification (germline): Benign. Review status: criteria provided, multiple submitters, no conflicts (2 of 4 stars). 2 submissions from 2 submitters: Benign (2). Last evaluated 2013-02-11.

Conditions:
History of neurodevelopmental disorder. Identifiers: MedGen C2711754.

Allele frequency attached by ClinVar (database versions not stated): gnomAD exomes 0.00142 and 0.00440; ExAC 0.00544; gnomAD 0.01503 and 0.01604; 1000 Genomes Project 0.01669; ESP Exome Variant Server 0.01723; TOPMed 0.01729; 1000 Genomes Project 30x 0.01790.
gnomAD v4.1: 3,298 of 1,209,532 alleles (0.27%); highest among the groups gnomAD compares: African/African-American, 5%; 66 homozygotes.

Submissions (2):

Ambry Genetics
Classification: Benign for History of neurodevelopmental disorder. Last evaluated: 2013-02-11. Review status: criteria provided, single submitter. Criteria: Ambry Autosomal Dominant and X-Linked criteria (10/2015). Collection method: clinical testing. Allele origin: germline. Observed: 1 variant allele.
Comment: General population or subpopulation frequency is too high to be a pathogenic mutation based on disease/syndrome prevalence and penetrance

Breakthrough Genomics
Classification: Benign. Review status: criteria provided, single submitter. Criteria: ACMG Guidelines, 2015. Collection method: not provided. Allele origin: germline. Inheritance: Unknown mechanism. Affected: yes.